The following is an entry in ClinVar:

NM_007194.4(CHEK2):c.1502_1503dup (p.Glu502fs)

Gene: CHEK2 (checkpoint kinase 2; minus strand). Cytogenetic location: 22q12.1.
Variant type: Duplication.
Coding change: c.1502_1503dup on transcript NM_007194.4 (MANE Select); coding-DNA positions 1502 to 1503, 2 bases duplicated (AG; older notation c.1502_1503dupAG).
Protein change: p.Glu502fs; shifts the reading frame from glutamic acid 502.
Molecular consequence: frameshift variant.
Genome position (GRCh38, 1-based): chr22:28,689,174-28,689,175, CT duplicated on the plus strand (AG on the coding strand, the reverse complement: CHEK2 is on the minus strand); duplicating any 2 consecutive bases within chr22:28,689,174-28,689,176 gives the same sequence; the c. name uses the placement nearest the transcript's 3' end. VCF-style (leftmost placement, unchanged base first): chr22-28689173-C-CCT. GRCh37 (hg19) VCF-style: chr22-29085161-C-CCT.
Other names: c.1502_1503dup (NM_007194.3); c.1630_1631dup, p.Glu545Argfs (NM_001005735.3); c.838_839dup, p.Glu281Argfs (NM_001257387.3); c.1300_1301dup, p.Glu435Argfs (NM_001349956.3); c.1414_1415dup, p.Glu473Argfs (NM_145862.3); short protein forms E435fs, E502fs, E281fs, E473fs, E545fs.
Identifiers: ClinVar variation 142772 (VCV000142772.19), dbSNP rs587782707, ClinGen allele CA169372.

ClinVar aggregate classification (germline): Pathogenic/Likely pathogenic. Review status: criteria provided, multiple submitters, no conflicts (2 of 4 stars). 5 submissions from 5 submitters: Pathogenic (3); Likely pathogenic (2). Last evaluated 2026-01-26.

Conditions:
Hereditary cancer-predisposing syndrome. Also called: Hereditary Cancer Syndrome; Neoplastic Syndromes, Hereditary; Hereditary neoplastic syndrome; Tumor predisposition. Identifiers: Orphanet 140162, MedGen C0027672, MeSH D009386, MONDO:0015356.
Familial cancer of breast. Also called: BREAST CANCER, FAMILIAL; Hereditary breast cancer; hereditary breast carcinoma. Identifiers: Orphanet 227535, MedGen C0346153, MONDO:0016419, OMIM 114480. Disease mechanism: loss of function.

Submissions (5):

Labcorp Genetics (formerly Invitae), Labcorp
Classification: Likely pathogenic for Familial cancer of breast. Last evaluated: 2026-01-26. Review status: criteria provided, single submitter. Criteria: Invitae Variant Classification Sherloc (09022015). Collection method: clinical testing. Allele origin: germline.
Comment: This sequence change creates a premature translational stop signal (p.Glu502Argfs*12) in the CHEK2 gene. While this is not anticipated to result in nonsense mediated decay, it is expected to disrupt the last 42 amino acid(s) of the CHEK2 protein. This variant is not present in population databases (gnomAD no frequency). This premature translational stop signal has been observed in individual(s) with breast cancer (PMID: 32427313, 36446039). ClinVar contains an entry for this variant (Variation ID: 142772). This variant disrupts the nuclear localization signal (NLS) of the CHEK2 protein, which is critical for proper nuclear localization (PMID: 18004398, 12909615). While functional studies have not been performed to directly test the effect of this variant on CHEK2 protein function, this suggests that disruption of this region of the protein is causative of disease. In summary, the currently available evidence indicates that the variant is pathogenic, but additional data are needed to prove that conclusively. Therefore, this variant has been classified as Likely Pathogenic.

Myriad Genetics, Inc.
Classification: Pathogenic for Familial cancer of breast. Last evaluated: 2023-06-29. Review status: criteria provided, single submitter. Criteria: Myriad Autosomal Dominant, Autosomal Recessive and X-Linked Classification Criteria (2023). Collection method: clinical testing. Allele origin: unknown.
Comment: This variant is considered pathogenic. This variant creates a frameshift predicted to result in premature protein truncation.

Ambry Genetics
Classification: Pathogenic for Hereditary cancer-predisposing syndrome. Last evaluated: 2023-04-14. Review status: criteria provided, single submitter. Criteria: Ambry Variant Classification Scheme 2023. Collection method: clinical testing. Allele origin: germline.
Comment: The c.1502_1503dupAG pathogenic mutation, located in coding exon 13 of the CHEK2 gene, results from a duplication of AG at nucleotide positions 1502 to 1503, causing a translational frameshift with a predicted alternate stop codon (p.E502Rfs*12). This alteration occurs at the 3' terminus of theCHEK2 gene, is not expected to trigger nonsense-mediated mRNA decay, and only impacts the last 7.7% of the protein. However, premature stop codons are typically deleterious in nature and a significant portion of the protein is affected (Ambry internal data). This alteration was identified amongst multiple cohorts of African American prostate and breast cancer patients (Ademuyiwa FO et al. Breast Cancer Res Treat, 2019 Nov;178:151-159; Palmer JR et al. J Natl Cancer Inst, 2020 Dec;112:1213-1221; Trendowski MR et al. JCO Precis Oncol, 2022 Nov;6:e2200460). This variant is considered to be rare based on population cohorts in the Genome Aggregation Database (gnomAD). Based on the supporting evidence, this alteration is interpreted as a disease-causing mutation.

Baylor Genetics
Classification: Likely pathogenic for Familial cancer of breast. Last evaluated: 2021-10-28. Review status: criteria provided, single submitter. Criteria: ACMG Guidelines, 2015. Collection method: clinical testing. Allele origin: unknown.

Color Diagnostics, LLC DBA Color Health
Classification: Pathogenic for Hereditary cancer-predisposing syndrome. Last evaluated: 2015-10-06. Review status: criteria provided, single submitter. Criteria: ACMG Guidelines, 2015. Collection method: clinical testing. Allele origin: germline.

Literature cited by the submitters: PubMed 32427313 (cited by Labcorp Genetics (formerly Invitae), Labcorp and Ambry Genetics); PubMed 36446039 (cited by Labcorp Genetics (formerly Invitae), Labcorp and Ambry Genetics); PubMed 18004398 (cited by Labcorp Genetics (formerly Invitae), Labcorp); PubMed 12909615 (cited by Labcorp Genetics (formerly Invitae), Labcorp); PubMed 31325073 (cited by Ambry Genetics).